The following is an entry in ClinVar:

NM_001999.4(FBN2):c.4247C>A (p.Thr1416Asn)

Gene: FBN2 (fibrillin 2; minus strand). Cytogenetic location: 5q23.3.
Variant type: single nucleotide variant.
Coding change: c.4247C>A on transcript NM_001999.4 (MANE Select); coding-DNA position 4247, C replaced by A.
Protein change: p.Thr1416Asn; replaces threonine 1416 with asparagine.
Molecular consequence: missense variant.
Genome position (GRCh38, 1-based): chr5:128,330,671, G>T on the plus strand (C>A on the coding strand, the complement: FBN2 is on the minus strand). VCF-style: chr5-128330671-G-T. GRCh37 (hg19) VCF-style: chr5-127666363-G-T.
Other names: short protein forms T1416N.
Identifiers: ClinVar variation 841615 (VCV000841615.10), dbSNP rs1750669779, ClinGen allele CA360754168.

ClinVar aggregate classification (germline): Uncertain significance (1 of 4 stars; one submission).

Conditions:
Congenital contractural arachnodactyly (CCA). Also called: BEALS SYNDROME; Arthrogryposis, distal, type 9; Beals-Hecht syndrome. Identifiers: Orphanet 115, MedGen C0220668, MONDO:0007363, OMIM 121050.

gnomAD v4.1: 3 of 1,613,900 alleles (0.00019%); highest among the groups gnomAD compares: Non-Finnish European, 0.00025%; no homozygotes.

Submission:

Labcorp Genetics (formerly Invitae), Labcorp
Classification: Uncertain significance for Congenital contractural arachnodactyly. Last evaluated: 2023-03-04. Review status: criteria provided, single submitter. Criteria: Invitae Variant Classification Sherloc (09022015). Collection method: clinical testing. Allele origin: germline.
Comment: This variant is not present in population databases (gnomAD no frequency). In summary, the available evidence is currently insufficient to determine the role of this variant in disease. Therefore, it has been classified as a Variant of Uncertain Significance. Advanced modeling of protein sequence and biophysical properties (such as structural, functional, and spatial information, amino acid conservation, physicochemical variation, residue mobility, and thermodynamic stability) performed at Invitae indicates that this missense variant is not expected to disrupt FBN2 protein function. ClinVar contains an entry for this variant (Variation ID: 841615). This variant has not been reported in the literature in individuals affected with FBN2-related conditions. This sequence change replaces threonine, which is neutral and polar, with asparagine, which is neutral and polar, at codon 1416 of the FBN2 protein (p.Thr1416Asn).